The following is an entry in ClinVar:

NM_001776.6(ENTPD1):c.329A>T (p.Glu110Val)

Genes: ENTPD1 (ectonucleoside triphosphate diphosphohydrolase 1; plus strand), ENTPD1-AS1 (ENTPD1 antisense RNA 1; minus strand). Cytogenetic location: 10q24.1.
Variant type: single nucleotide variant.
Coding change: c.329A>T on transcript NM_001776.6 (MANE Select); coding-DNA position 329, A replaced by T.
Protein change: p.Glu110Val; replaces glutamic acid 110 with valine.
Molecular consequence: missense variant. On other transcripts: intron variant (2).
Genome position (GRCh38, 1-based): chr10:95,842,410, A>T. VCF-style: chr10-95842410-A-T. GRCh37 (hg19) VCF-style: chr10-97602167-A-T.
Other names: c.350A>T, p.Glu117Val (NM_001098175.2); c.365A>T, p.Glu122Val (NM_001164178.1, NM_001320916.1); c.329A>T, p.Glu110Val (NM_001164179.2); c.5A>T, p.Glu2Val (NM_001164181.1, NM_001312654.1); c.-1-2066A>T (NM_001164182.2, NM_001164183.2); short protein forms E110V, E117V, E122V, E2V.
Identifiers: ClinVar variation 474861 (VCV000474861.6), dbSNP rs751335015, ClinGen allele CA5621385.

ClinVar aggregate classification (germline): Uncertain significance (1 of 4 stars; one submission).

Conditions:
Hereditary spastic paraplegia 64. Also called: ENTPD1-Related Neurodevelopmental Disorder; Spastic paraplegia 64, autosomal recessive. Identifiers: Orphanet 401810, MedGen C3810289, MONDO:0014303, OMIM 615683.

Allele frequency attached by ClinVar (database versions not stated): gnomAD 0.00001; TOPMed 0.00002.
gnomAD v4.1: 26 of 1,614,060 alleles (0.0016%); highest among the groups gnomAD compares: Non-Finnish European, 0.0021%; no homozygotes.

Submission:

Labcorp Genetics (formerly Invitae), Labcorp
Classification: Uncertain significance for Hereditary spastic paraplegia 64. Last evaluated: 2021-11-03. Review status: criteria provided, single submitter. Criteria: Invitae Variant Classification Sherloc (09022015). Collection method: clinical testing. Allele origin: germline.
Comment: In summary, the available evidence is currently insufficient to determine the role of this variant in disease. Therefore, it has been classified as a Variant of Uncertain Significance. Algorithms developed to predict the effect of sequence changes on RNA splicing suggest that this variant may create or strengthen a splice site. Algorithms developed to predict the effect of missense changes on protein structure and function output the following: SIFT: "Tolerated"; PolyPhen-2: "Benign"; Align-GVGD: "Class C0". The valine amino acid residue is found in multiple mammalian species, which suggests that this missense change does not adversely affect protein function. ClinVar contains an entry for this variant (Variation ID: 474861). This variant has not been reported in the literature in individuals affected with ENTPD1-related conditions. This variant is present in population databases (rs751335015, gnomAD 0.004%). This sequence change replaces glutamic acid, which is acidic and polar, with valine, which is neutral and non-polar, at codon 110 of the ENTPD1 protein (p.Glu110Val).